The following is an entry in ClinVar:

NM_012238.5(SIRT1):c.37G>T (p.Gly13Cys)

Genes: SIRT1 (sirtuin 1; plus strand), LOC107832851 (SIRT1 promoter region; plus strand). Cytogenetic location: 10q21.3.
Variant type: single nucleotide variant.
Coding change: c.37G>T on transcript NM_012238.5 (MANE Select); coding-DNA position 37, G replaced by T.
Protein change: p.Gly13Cys; replaces glycine 13 with cysteine.
Molecular consequence: missense variant.
Genome position (GRCh38, 1-based): chr10:67,884,758, G>T. VCF-style: chr10-67884758-G-T. GRCh37 (hg19) VCF-style: chr10-69644516-G-T.
Other names: short protein forms G13C.
Identifiers: ClinVar variation 3712690 (VCV003712690.2).

ClinVar aggregate classification (germline): Uncertain significance (1 of 4 stars; one submission).

gnomAD v4.1: 25 of 1,228,670 alleles (0.002%); highest among the groups gnomAD compares: Non-Finnish European, 0.0024%; no homozygotes.

Submission:

Labcorp Genetics (formerly Invitae), Labcorp
Classification: Uncertain significance. Last evaluated: 2024-04-29. Review status: criteria provided, single submitter. Criteria: Invitae Variant Classification Sherloc (09022015). Collection method: clinical testing. Allele origin: germline.
Comment: This sequence change replaces glycine, which is neutral and non-polar, with cysteine, which is neutral and slightly polar, at codon 13 of the SIRT1 protein (p.Gly13Cys). This variant is not present in population databases (gnomAD no frequency). This variant has not been reported in the literature in individuals affected with SIRT1-related conditions. An algorithm developed to predict the effect of missense changes on protein structure and function (PolyPhen-2) suggests that this variant is likely to be disruptive. In summary, the available evidence is currently insufficient to determine the role of this variant in disease. Therefore, it has been classified as a Variant of Uncertain Significance.